The following is an entry in ClinVar:

NM_000632.4(ITGAM):c.2800G>T (p.Val934Phe)

Gene: ITGAM (integrin subunit alpha M; plus strand). Cytogenetic location: 16p11.2.
Variant type: single nucleotide variant.
Coding change: c.2800G>T on transcript NM_000632.4 (MANE Select); coding-DNA position 2800, G replaced by T.
Protein change: p.Val934Phe; replaces valine 934 with phenylalanine.
Molecular consequence: missense variant.
Genome position (GRCh38, 1-based): chr16:31,329,235, G>T. VCF-style: chr16-31329235-G-T. GRCh37 (hg19) VCF-style: chr16-31340556-G-T.
Other names: c.2803G>T, p.Val935Phe (NM_001145808.2); c.2800G>T (NM_000632.3); short protein forms V934F, V935F.
Identifiers: ClinVar variation 1517670 (VCV001517670.9), dbSNP rs199790913, ClinGen allele CA8025983.
Genomic context (GRCh38, chr16:31,329,235, plus strand): 5'-CCCAGGGCACCCCTCATGTTTTGTCACCTCCTGTCCCTTTTTTCTCCCTTCAGCCATGGG[G>T]TCTCCACTAAATATCTCAACTTCACGGCCTCAGAGAATACCAGTCGGGTCATGCAGCATC-3'
Protein context (NP_000623.2, residues 924-944): AVYMVVTSHG[Val934Phe]STKYLNFTAS

ClinVar aggregate classification (germline): Uncertain significance. Review status: criteria provided, multiple submitters, no conflicts (2 of 4 stars). 2 submissions from 2 submitters: Uncertain significance (2). Last evaluated 2025-09-09.

Allele frequency attached by ClinVar (database versions not stated): ExAC 0.00002; gnomAD exomes 0.00002; gnomAD 0.00005 and 0.00006; ESP Exome Variant Server 0.00008.
gnomAD v4.1: 33 of 1,611,204 alleles (0.002%); highest among the groups gnomAD compares: Non-Finnish European, 0.0028%; no homozygotes.

Submissions (2):

Labcorp Genetics (formerly Invitae), Labcorp
Classification: Uncertain significance. Last evaluated: 2025-09-09. Review status: criteria provided, single submitter. Criteria: Invitae Variant Classification Sherloc (09022015). Collection method: clinical testing. Allele origin: germline.
Comment: This sequence change replaces valine, which is neutral and non-polar, with phenylalanine, which is neutral and non-polar, at codon 934 of the ITGAM protein (p.Val934Phe). This variant is present in population databases (rs199790913, gnomAD 0.003%). This variant has not been reported in the literature in individuals affected with ITGAM-related conditions. ClinVar contains an entry for this variant (Variation ID: 1517670). An algorithm developed to predict the effect of missense changes on protein structure and function (PolyPhen-2) suggests that this variant is likely to be tolerated. In summary, the available evidence is currently insufficient to determine the role of this variant in disease. Therefore, it has been classified as a Variant of Uncertain Significance.

Ambry Genetics
Classification: Uncertain significance. Last evaluated: 2024-04-26. Review status: criteria provided, single submitter. Criteria: Ambry Variant Classification Scheme 2023. Collection method: clinical testing. Allele origin: germline.